The following is an entry in ClinVar:

ClinVar aggregate classification (germline): Uncertain significance (1 of 4 stars; one submission).

Allele frequency attached by ClinVar (database versions not stated): gnomAD exomes 0.00001; ExAC 0.00002.

Submission:

Labcorp Genetics (formerly Invitae), Labcorp
Classification: Uncertain significance. Last evaluated: 2023-05-16. Review status: criteria provided, single submitter. Criteria: Invitae Variant Classification Sherloc (09022015). Collection method: clinical testing. Allele origin: germline.
Comment: In summary, the available evidence is currently insufficient to determine the role of this variant in disease. Therefore, it has been classified as a Variant of Uncertain Significance. Advanced modeling of protein sequence and biophysical properties (such as structural, functional, and spatial information, amino acid conservation, physicochemical variation, residue mobility, and thermodynamic stability) performed at Invitae indicates that this missense variant is not expected to disrupt REN protein function. This variant has not been reported in the literature in individuals affected with REN-related conditions. This variant is present in population databases (rs762758270, gnomAD 0.01%). This sequence change replaces serine, which is neutral and polar, with proline, which is neutral and non-polar, at codon 136 of the REN protein (p.Ser136Pro).

NM_000537.4(REN):c.406T>C (p.Ser136Pro)

Gene: REN (renin; minus strand). Cytogenetic location: 1q32.1.
Variant type: single nucleotide variant.
Coding change: c.406T>C on transcript NM_000537.4 (MANE Select); coding-DNA position 406, T replaced by C.
Protein change: p.Ser136Pro; replaces serine 136 with proline.
Molecular consequence: missense variant.
Genome position (GRCh38, 1-based): chr1:204,160,646, A>G on the plus strand (T>C on the coding strand, the complement: REN is on the minus strand). VCF-style: chr1-204160646-A-G. GRCh37 (hg19) VCF-style: chr1-204129774-A-G.
Other names: short protein forms S136P.
Identifiers: ClinVar variation 2999125 (VCV002999125.3), dbSNP rs762758270, ClinGen allele CA1344944.